The following is an entry in ClinVar:

NM_133443.4(GPT2):c.1422_1423del (p.Gly475fs)

Gene: GPT2 (glutamic--pyruvic transaminase 2; plus strand). Cytogenetic location: 16q11.2.
Variant type: Deletion.
Coding change: c.1422_1423del on transcript NM_133443.4 (MANE Select); coding-DNA positions 1422 to 1423, 2 bases deleted (TG; older notation c.1422_1423delTG).
Protein change: p.Gly475fs; shifts the reading frame from glycine 475.
Molecular consequence: frameshift variant.
Genome position (GRCh38, 1-based): chr16:46,926,978-46,926,979, TG deleted. VCF-style (leftmost placement, unchanged base first): chr16-46926977-CTG-C. GRCh37 (hg19) VCF-style: chr16-46960889-CTG-C.
Other names: c.1122_1123del, p.Gly375fs (NM_001142466.3); c.1422_1423delTG (NM_133443.2); short protein forms G375fs, G475fs.
Identifiers: ClinVar variation 2628776 (VCV002628776.3), dbSNP rs2548989725, ClinGen allele CA2633027889.

ClinVar aggregate classification (germline): Conflicting classifications of pathogenicity. Review status: criteria provided, conflicting classifications (1 of 4 stars). 3 submissions from 3 submitters: Pathogenic (1); Likely pathogenic (1); Uncertain significance (1). Last evaluated 2025-10-29.

Conditions:
Inborn genetic diseases. Identifiers: MedGen C0950123, MeSH D030342.
GPT2-related disorder. Also called: GPT2-related condition.
Glutamate pyruvate transaminase 2 deficiency (NEDSPM). Also called: Neurodevelopmental disorder with microcephaly and spastic paraplegia. Identifiers: Orphanet 477673, MedGen C4225388, MONDO:0014567, OMIM 616281.

Allele frequency attached by ClinVar (database versions not stated): gnomAD exomes below 0.00001.

Submissions (3):

Ambry Genetics
Classification: Uncertain significance for Inborn genetic diseases. Last evaluated: 2025-10-29. Review status: criteria provided, single submitter. Criteria: Ambry Variant Classification Scheme 2023. Collection method: clinical testing. Allele origin: germline.
Comment: The c.1422_1423delTG (p.G475Hfs*76) alteration, located in exon 11 (coding exon 10) of the GPT2 gene, consists of a deletion of 2 nucleotides from position 1422 to 1423, causing a translational frameshift with a predicted alternate stop codon after 76 amino acids. This variant is not expected to trigger nonsense-mediated mRNA decay and impacts the last 9.4% of the protein. The exact functional effect of this alteration is unknown. This variant was not reported in population-based cohorts in the Genome Aggregation Database (gnomAD). Based on insufficient or conflicting evidence, the clinical significance of this alteration remains unclear.

3billion
Classification: Pathogenic for Glutamate pyruvate transaminase 2 deficiency. Last evaluated: 2025-09-19. Review status: criteria provided, single submitter. Criteria: ACMG Guidelines, 2015. Collection method: clinical testing. Allele origin: germline. Affected: yes.
Comment: The variant is observed at an extremely low frequency in the gnomAD v4.1.0 dataset (total allele frequency: <0.001%). Predicted Consequence/Location: Frameshift: predicted to result in a loss or disruption of normal protein function through nonsense-mediated decay (NMD) or protein truncation. Multiple pathogenic variants are reported downstream of the variant. The variant has been reported to be associated with GPT2-related disorder (ClinVar ID: VCV002628776). Therefore, this variant is classified as Pathogenic according to the recommendation of ACMG/AMP guideline.

PreventionGenetics, part of Exact Sciences
Classification: Likely pathogenic for GPT2-related condition. Last evaluated: 2023-02-23. Review status: criteria provided, single submitter. Criteria: ACMG Guidelines, 2015. Collection method: clinical testing. Allele origin: germline.
Comment: The GPT2 c.1422_1423delTG variant is predicted to result in a frameshift and premature protein termination (p.Gly475Hisfs*76). To our knowledge, this variant has not been reported in the literature or in a large population database, indicating this variant is rare. Frameshift variants in GPT2 are expected to be pathogenic, and therefore this variant is interpreted as likely pathogenic.